The following is an entry in ClinVar:

ClinVar aggregate classification (germline): Conflicting classifications of pathogenicity. Review status: criteria provided, conflicting classifications (1 of 4 stars). 2 submissions from 2 submitters: Likely pathogenic (1); Uncertain significance (1). Last evaluated 2022-07-05.

Conditions:
Inborn genetic diseases. Identifiers: MedGen C0950123, MeSH D030342.

gnomAD v4.1: 4 of 1,611,638 alleles (0.00025%); highest among the groups gnomAD compares: Non-Finnish European, 0.00025%; no homozygotes.

Submissions (2):

Labcorp Genetics (formerly Invitae), Labcorp
Classification: Uncertain significance. Last evaluated: 2022-07-05. Review status: criteria provided, single submitter. Criteria: Invitae Variant Classification Sherloc (09022015). Collection method: clinical testing. Allele origin: germline.
Comment: In summary, the available evidence is currently insufficient to determine the role of this variant in disease. Therefore, it has been classified as a Variant of Uncertain Significance. Algorithms developed to predict the effect of sequence changes on RNA splicing suggest that this variant may disrupt the consensus splice site. Algorithms developed to predict the effect of missense changes on protein structure and function are either unavailable or do not agree on the potential impact of this missense change (SIFT: "Deleterious"; PolyPhen-2: "Possibly Damaging"; Align-GVGD: "Class C0"). ClinVar contains an entry for this variant (Variation ID: 985722). This missense change has been observed in individual(s) with optic atrophy (PMID: 29181510, 33841295). This variant is not present in population databases (gnomAD no frequency). This sequence change replaces isoleucine, which is neutral and non-polar, with phenylalanine, which is neutral and non-polar, at codon 362 of the RTN4IP1 protein (p.Ile362Phe).

Ambry Genetics
Classification: Likely pathogenic for Inborn genetic diseases. Last evaluated: 2019-03-22. Review status: criteria provided, single submitter. Criteria: Ambry exome assertion method (8-5-2015). Collection method: clinical testing. Allele origin: germline. Affected: yes. Observed: 1 variant allele.

Literature cited by the submitters: PubMed 29181510 (cited by Labcorp Genetics (formerly Invitae), Labcorp and Ambry Genetics); PubMed 33841295 (cited by Labcorp Genetics (formerly Invitae), Labcorp).

NM_032730.5(RTN4IP1):c.1084A>T (p.Ile362Phe)

Gene: RTN4IP1 (reticulon 4 interacting protein 1; minus strand). Cytogenetic location: 6q21.
Variant type: single nucleotide variant.
Coding change: c.1084A>T on transcript NM_032730.5 (MANE Select); coding-DNA position 1084, A replaced by T.
Protein change: p.Ile362Phe; replaces isoleucine 362 with phenylalanine.
Molecular consequence: missense variant.
Genome position (GRCh38, 1-based): chr6:106,572,103, T>A on the plus strand (A>T on the coding strand, the complement: RTN4IP1 is on the minus strand). VCF-style: chr6-106572103-T-A. GRCh37 (hg19) VCF-style: chr6-107019978-T-A.
Other names: c.784A>T, p.Ile262Phe (NM_001318746.1); short protein forms I262F, I362F.
Identifiers: ClinVar variation 985722 (VCV000985722.7), dbSNP rs1775080757, ClinGen allele CA365170762.